The following is an entry in ClinVar:

ClinVar aggregate classification (germline): Pathogenic (1 of 4 stars; one submission).

Conditions:
Combined immunodeficiency due to CD3gamma deficiency. Also called: CD3-GAMMA DEFICIENCY; SCID-LIKE IMMUNODEFICIENCY, T CELL-PARTIAL, B CELL-POSITIVE, NK CELL-POSITIVE; Immunodeficiency 17; Immunodeficiency 17, CD3 gamma deficient. Identifiers: Orphanet 169082, MedGen C3810107, MONDO:0014276, OMIM 615607.

Submission:

Labcorp Genetics (formerly Invitae), Labcorp
Classification: Pathogenic for Combined immunodeficiency due to CD3gamma deficiency. Last evaluated: 2022-09-27. Review status: criteria provided, single submitter. Criteria: Invitae Variant Classification Sherloc (09022015). Collection method: clinical testing. Allele origin: germline.
Comment: This variant has not been reported in the literature in individuals affected with CD3G-related conditions. This sequence change creates a premature translational stop signal (p.Phe120Cysfs*2) in the CD3G gene. It is expected to result in an absent or disrupted protein product. Loss-of-function variants in CD3G are known to be pathogenic (PMID: 1635567, 17277165, 24910257). This variant is not present in population databases (gnomAD no frequency). For these reasons, this variant has been classified as Pathogenic.

Literature cited by the submitters: PubMed 1635567; PubMed 17277165; PubMed 24910257.

NM_000073.3(CD3G):c.357_358del (p.Phe120fs)

Genes: CD3G (CD3 gamma subunit of T-cell receptor complex; plus strand), LOC126861358 (BRD4-independent group 4 enhancer GRCh37_chr11:118220212-118221411; plus strand). Cytogenetic location: 11q23.3.
Variant type: Microsatellite.
Coding change: c.357_358del on transcript NM_000073.3 (MANE Select); coding-DNA positions 357 to 358, 2 bases deleted (CT; older notation c.357_358delCT).
Protein change: p.Phe120fs; shifts the reading frame from phenylalanine 120.
Molecular consequence: frameshift variant.
Genome position (GRCh38, 1-based): chr11:118,350,601-118,350,602, CT deleted; deleting any 2 consecutive bases within chr11:118,350,598-118,350,602 gives the same sequence; the c. name uses the placement nearest the transcript's 3' end. VCF-style (leftmost placement, unchanged base first): chr11-118350597-TTC-T. GRCh37 (hg19) VCF-style: chr11-118221312-TTC-T.
Other names: short protein forms F120fs.
Identifiers: ClinVar variation 1993104 (VCV001993104.4), dbSNP rs2496901413, ClinGen allele CA2580615076.
Genomic context (GRCh38, chr11:118,350,597, plus strand): 5'-TCCTTTTCCCTACAGTGTGTCAGAACTGCATTGAACTAAATGCAGCCACCATATCTGGCT[TTC>T]TCTTTGCTGAAATCGTCAGCATTTTCGTCCTTGCTGTTGGGGTCTACTTCATTGCTGGAC-3'